The following is an entry in ClinVar:

NM_020066.5(FMN2):c.2304A>G (p.Pro768=)

Gene: FMN2 (formin 2; plus strand). Cytogenetic location: 1q43.
Variant type: single nucleotide variant.
Coding change: c.2304A>G on transcript NM_020066.5 (MANE Select); coding-DNA position 2304, A replaced by G.
Protein change: p.Pro768=; no amino-acid change (proline 768 retained).
Molecular consequence: synonymous variant. On other transcripts: intron variant (1).
Genome position (GRCh38, 1-based): chr1:240,207,116, A>G. VCF-style: chr1-240207116-A-G. GRCh37 (hg19) VCF-style: chr1-240370416-A-G.
Other names: c.2316A>G, p.Pro772= (NM_001305424.2); c.1986+18854A>G (NM_001348094.2).
Identifiers: ClinVar variation 3032643 (VCV003032643.1), dbSNP rs371254127, ClinGen allele CA1476598.
Genomic context (GRCh38, chr1:240,207,116, plus strand): 5'-CACGGAAGAGGGCGGGGTGCTGACACTGCCTCCTGTGGATGGGCTGCCAGGGCGTCCTCC[A>G]TGCCCCCCTGGGGCTGAAAGTGGACCTCAGACAAAGTTCTGTTCAGAGATTTCTTTGATT-3'
Protein context (NP_064450.3, residues 758-778): PPVDGLPGRP[Pro768=]CPPGAESGPQ

ClinVar aggregate classification (germline): Likely benign (1 of 4 stars; one submission).

Conditions:
FMN2-related disorder. Also called: FMN2-related condition.

Allele frequency attached by ClinVar (database versions not stated): gnomAD exomes below 0.00001; ExAC 0.00001; gnomAD 0.00005; TOPMed 0.00007; ESP Exome Variant Server 0.00008.
gnomAD v4.1: 10 of 1,613,978 alleles (0.00062%); highest among the groups gnomAD compares: African/African-American, 0.012%; no homozygotes.

Submission:

PreventionGenetics, part of Exact Sciences
Classification: Likely benign for FMN2-related condition. Last evaluated: 2020-09-23. Review status: criteria provided, single submitter. Criteria: ACMG Guidelines, 2015. Collection method: clinical testing. Allele origin: germline.
Comment: This variant is classified as likely benign based on ACMG/AMP sequence variant interpretation guidelines (Richards et al. 2015 PMID: 25741868, with internal and published modifications).